The following is an entry in ClinVar:

NM_000218.3(KCNQ1):c.*81C>T

Genes: KCNQ1-AS1 (KCNQ1 antisense RNA 1; minus strand), KCNQ1 (potassium voltage-gated channel subfamily Q member 1; plus strand). Cytogenetic location: 11p15.4.
Variant type: single nucleotide variant.
Coding change: c.*81C>T on transcript NM_000218.3 (MANE Select); 81 bases downstream of the stop codon, C replaced by T.
Molecular consequence: 3 prime UTR variant.
Genome position (GRCh38, 1-based): chr11:2,848,084, C>T. VCF-style: chr11-2848084-C-T. GRCh37 (hg19) VCF-style: chr11-2869314-C-T.
Other names: c.*81C>T (NM_001406836.1, NM_001406837.1, NM_001406838.1 and 2 more transcripts).
Identifiers: ClinVar variation 880305 (VCV000880305.6), dbSNP rs771815387, ClinGen allele CA040859.

ClinVar aggregate classification (germline): Conflicting classifications of pathogenicity. Review status: criteria provided, conflicting classifications (1 of 4 stars). 4 submissions from 1 submitter: Uncertain significance (3); Benign (1). Last evaluated 2018-01-13.

Conditions:
Atrial fibrillation, familial, 3 (ATFB3). Identifiers: MedGen C1837014, MONDO:0011857, OMIM 607554.
Short QT syndrome type 2. Identifiers: Orphanet 51083, MedGen C1865019, MONDO:0012313, OMIM 609621.
Jervell and Lange-Nielsen syndrome 1 (JLNS1). Also called: CARDIOAUDITORY SYNDROME OF JERVELL AND LANGE-NIELSEN; DEAFNESS, CONGENITAL, AND FUNCTIONAL HEART DISEASE; PROLONGED QT INTERVAL IN EKG AND SUDDEN DEATH; SURDO-CARDIAC SYNDROME. Identifiers: Orphanet 768, Orphanet 90647, MedGen C4551509, MONDO:0024540, OMIM 220400.
Long QT syndrome 1 (LQT1). Identifiers: Orphanet 101016, Orphanet 768, MedGen C4551647, MONDO:0100316, OMIM 192500, MONDO:0008646.

Allele frequency attached by ClinVar (database versions not stated): gnomAD 0.00001; TOPMed 0.00002; gnomAD exomes 0.00004; ExAC 0.00019.
gnomAD v4.1: 23 of 1,202,688 alleles (0.0019%); highest among the groups gnomAD compares: Non-Finnish European, 0.00036%; no homozygotes.

Submissions (4):

Illumina Laboratory Services, Illumina
Classification: Uncertain significance for Long QT syndrome 1. Last evaluated: 2018-01-13. Review status: criteria provided, single submitter. Criteria: ICSL Variant Classification Criteria 13 December 2019. Collection method: clinical testing. Allele origin: germline.

Illumina Laboratory Services, Illumina
Classification: Benign for Short QT syndrome type 2. Last evaluated: 2018-01-13. Review status: criteria provided, single submitter. Criteria: ICSL Variant Classification Criteria 13 December 2019. Collection method: clinical testing. Allele origin: germline.
Comment: This variant was observed in the ICSL laboratory as part of a predisposition screen in an ostensibly healthy population. It had not been previously curated by ICSL or reported in the Human Gene Mutation Database (HGMD: prior to June 1st, 2018), and was therefore a candidate for classification through an automated scoring system. Utilizing variant allele frequency, disease prevalence and penetrance estimates, and inheritance mode, an automated score was calculated to assess if this variant is too frequent to cause the disease. Based on the score and internal cut-off values, a variant classified as benign is not then subjected to further curation. The score for this variant resulted in a classification of benign for this disease.

Illumina Laboratory Services, Illumina
Classification: Uncertain significance for Jervell and Lange-Nielsen syndrome 1. Last evaluated: 2018-01-13. Review status: criteria provided, single submitter. Criteria: ICSL Variant Classification Criteria 13 December 2019. Collection method: clinical testing. Allele origin: germline.

Illumina Laboratory Services, Illumina
Classification: Uncertain significance for Atrial fibrillation, familial, 3. Last evaluated: 2018-01-13. Review status: criteria provided, single submitter. Criteria: ICSL Variant Classification Criteria 13 December 2019. Collection method: clinical testing. Allele origin: germline.